The following is an entry in ClinVar:

ClinVar aggregate classification (germline): Uncertain significance (0 of 4 stars; one submission).

Conditions:
BBS4-related disorder. Also called: BBS4-related condition.

Submission:

PreventionGenetics, part of Exact Sciences
Classification: Uncertain significance for BBS4-related condition. Last evaluated: 2024-09-18. Review status: no assertion criteria provided. Collection method: clinical testing. Allele origin: germline.
Comment: The BBS4 c.1007A>C variant is predicted to result in the amino acid substitution p.Lys336Thr. To our knowledge, this variant has not been reported in the literature or in a large population database, indicating this variant is rare. At this time, the clinical significance of this variant is uncertain due to the absence of conclusive functional and genetic evidence.

NM_033028.5(BBS4):c.1007A>C (p.Lys336Thr)

Gene: BBS4 (Bardet-Biedl syndrome 4; plus strand). Cytogenetic location: 15q24.1.
Variant type: single nucleotide variant.
Coding change: c.1007A>C on transcript NM_033028.5 (MANE Select); coding-DNA position 1007, A replaced by C.
Protein change: p.Lys336Thr; replaces lysine 336 with threonine.
Molecular consequence: missense variant. On other transcripts: non-coding transcript variant (2).
Genome position (GRCh38, 1-based): chr15:72,731,697, A>C. VCF-style: chr15-72731697-A-C. GRCh37 (hg19) VCF-style: chr15-73024038-A-C.
Other names: c.491A>C, p.Lys164Thr (NM_001252678.2); c.938A>C, p.Lys313Thr (NM_001320665.2); short protein forms K164T, K313T, K336T.
Identifiers: ClinVar variation 3347386 (VCV003347386.1).